The following is an entry in ClinVar:

ClinVar aggregate classification (germline): Uncertain significance. Review status: criteria provided, multiple submitters, no conflicts (2 of 4 stars). 2 submissions from 2 submitters: Uncertain significance (2). Last evaluated 2022-02-11.

Conditions:
Thyroid hormone resistance, generalized, autosomal dominant (GRTHD). Also called: HYPERTHYROXINEMIA, FAMILIAL EUTHYROID, SECONDARY TO PITUITARY AND PERIPHERAL RESISTANCE TO THYROID HORMONES. Identifiers: MedGen C2937288, MONDO:0008569, OMIM 188570.
Selective pituitary resistance to thyroid hormone. Also called: HYPERTHYROIDISM, FAMILIAL, DUE TO INAPPROPRIATE THYROTROPIN SECRETION. Identifiers: MedGen C1840364, MONDO:0007784, OMIM 145650.

Allele frequency attached by ClinVar (database versions not stated): gnomAD exomes 0.00001.

Submissions (2):

Institute of Human Genetics, Clinical Exome/Genome Diagnostics Group, University Hospital Bonn
Classification: Uncertain significance for Selective pituitary resistance to thyroid hormone. Last evaluated: 2022-02-11. Review status: criteria provided, single submitter. Criteria: ACMG Guidelines, 2015. Collection method: clinical testing. Allele origin: germline. Affected: yes.
Comment: PM2

Illumina Laboratory Services, Illumina
Classification: Uncertain significance for Thyroid hormone resistance, generalized, autosomal dominant. Last evaluated: 2018-01-13. Review status: criteria provided, single submitter. Criteria: ICSL Variant Classification Criteria 13 December 2019. Collection method: clinical testing. Allele origin: germline.

NM_001354712.2(THRB):c.743A>G (p.Glu248Gly)

Gene: THRB (thyroid hormone receptor beta; minus strand). Cytogenetic location: 3p24.2.
Variant type: single nucleotide variant.
Coding change: c.743A>G on transcript NM_001354712.2 (MANE Select); coding-DNA position 743, A replaced by G.
Protein change: p.Glu248Gly; replaces glutamic acid 248 with glycine.
Molecular consequence: missense variant.
Genome position (GRCh38, 1-based): chr3:24,133,458, T>C on the plus strand (A>G on the coding strand, the complement: THRB is on the minus strand). VCF-style: chr3-24133458-T-C. GRCh37 (hg19) VCF-style: chr3-24174949-T-C.
Other names: c.743A>G, p.Glu248Gly (NM_000461.5, NM_001128176.3, NM_001128177.2 and 12 more transcripts); c.650A>G, p.Glu217Gly (NM_001354714.2, NM_001354715.2); short protein forms E217G, E248G.
Identifiers: ClinVar variation 902712 (VCV000902712.5), dbSNP rs2034169050, ClinGen allele CA351889915.